The following is an entry in ClinVar:

ClinVar aggregate classification (germline): Likely benign (1 of 4 stars; one submission).

Allele frequency attached by ClinVar (database versions not stated): gnomAD 0.00005; gnomAD exomes 0.00006; TOPMed 0.00006; ExAC 0.00012.
gnomAD v4.1: 104 of 1,613,840 alleles (0.0064%); highest among the groups gnomAD compares: South Asian, 0.04%; no homozygotes.

Submission:

CeGaT Center for Human Genetics Tuebingen
Classification: Likely benign. Last evaluated: 2026-02-01. Review status: criteria provided, single submitter. Criteria: CeGaT Center For Human Genetics Tuebingen Variant Classification Criteria Version 2. Collection method: clinical testing. Allele origin: germline. Affected: yes. Observed: 2 variant alleles.
Comment: ZNF462: BP4

NM_021224.6(ZNF462):c.3868G>A (p.Ala1290Thr)

Gene: ZNF462 (zinc finger protein 462; plus strand). Cytogenetic location: 9q31.2.
Variant type: single nucleotide variant.
Coding change: c.3868G>A on transcript NM_021224.6 (MANE Select); coding-DNA position 3868, G replaced by A.
Protein change: p.Ala1290Thr; replaces alanine 1290 with threonine.
Molecular consequence: missense variant. On other transcripts: intron variant (1).
Genome position (GRCh38, 1-based): chr9:106,927,780, G>A. VCF-style: chr9-106927780-G-A. GRCh37 (hg19) VCF-style: chr9-109690061-G-A.
Other names: c.3252+616G>A (NM_001347997.2); short protein forms A1290T.
Identifiers: ClinVar variation 2659377 (VCV002659377.24), dbSNP rs769793291, ClinGen allele CA5171738.